The following is an entry in ClinVar:

NM_001127178.3(PIGG):c.347T>G (p.Met116Arg)

Gene: PIGG (phosphatidylinositol glycan anchor biosynthesis class G (EMM blood group); plus strand). Cytogenetic location: 4p16.3.
Variant type: single nucleotide variant.
Coding change: c.347T>G on transcript NM_001127178.3 (MANE Select); coding-DNA position 347, T replaced by G.
Protein change: p.Met116Arg; replaces methionine 116 with arginine.
Molecular consequence: missense variant. On other transcripts: 5 prime UTR variant (5), non-coding transcript variant (10).
Genome position (GRCh38, 1-based): chr4:500,588, T>G. VCF-style: chr4-500588-T-G. GRCh37 (hg19) VCF-style: chr4-494377-T-G.
Other names: c.80T>G, p.Met27Arg (NM_001289051.2, NM_001289053.2, NM_001289057.2 and 2 more transcripts); c.347T>G, p.Met116Arg (NM_001289052.2, NM_001345989.2, NM_017733.5); c.-90T>G (NM_001289055.2); c.-541T>G (NM_001345988.2); c.-1279T>G (NM_001345990.2); c.-1141T>G (NM_001345991.2); c.-866T>G (NM_001345994.2); short protein forms M116R, M27R.
Identifiers: ClinVar variation 1704052 (VCV001704052.2), dbSNP rs1553875254, ClinGen allele CA355891874.
Genomic context (GRCh38, chr4:500,588, plus strand): 5'-TTGTGGAAAAAGGAGCATCTCACAGTTTTGTGGCTGAAGCAAAGCCACCTACAGTTACTA[T>G]GCCTCGAATCAAGGTAAGTTTGCCTTAATGTTTTATGAATCATGGTTTGGCTGTTTTGAA-3'
Protein context (NP_001120650.1, residues 106-126): VAEAKPPTVT[Met116Arg]PRIKALMTGS

ClinVar aggregate classification (germline): Uncertain significance (1 of 4 stars; one submission).

Submission:

GeneDx
Classification: Uncertain significance. Last evaluated: 2022-03-04. Review status: criteria provided, single submitter. Criteria: GeneDx Variant Classification Process June 2021. Collection method: clinical testing. Allele origin: germline. Affected: yes.
Comment: Not observed at significant frequency in large population cohorts (gnomAD); In silico analysis supports that this missense variant has a deleterious effect on protein structure/function; Has not been previously published as pathogenic or benign to our knowledge